The following is an entry in ClinVar:

ClinVar aggregate classification (germline): Likely benign (1 of 4 stars; one submission).

gnomAD v4.1: 68 of 1,524,998 alleles (0.0045%); highest among the groups gnomAD compares: Non-Finnish European, 0.0059%; no homozygotes.

Submission:

Mayo Clinic Laboratories, Mayo Clinic
Classification: Likely benign. Last evaluated: 2025-03-11. Review status: criteria provided, single submitter. Criteria: ACMG Guidelines, 2015. Collection method: clinical testing. Allele origin: germline. Observed: 1 variant allele.
Comment: BP1, BP4

NM_000435.3(NOTCH3):c.6259G>A (p.Ala2087Thr)

Gene: NOTCH3 (notch receptor 3; minus strand). Cytogenetic location: 19p13.12.
Variant type: single nucleotide variant.
Coding change: c.6259G>A on transcript NM_000435.3 (MANE Select); coding-DNA position 6259, G replaced by A.
Protein change: p.Ala2087Thr; replaces alanine 2087 with threonine.
Molecular consequence: missense variant.
Genome position (GRCh38, 1-based): chr19:15,161,369, C>T on the plus strand (G>A on the coding strand, the complement: NOTCH3 is on the minus strand). VCF-style: chr19-15161369-C-T. GRCh37 (hg19) VCF-style: chr19-15272180-C-T.
Other names: p.Ala2087Thr; short protein forms A2087T.
Identifiers: ClinVar variation 4684314 (VCV004684314.1).